The following is an entry in ClinVar:

NM_000130.5(F5):c.2521del (p.Gln841fs)

Gene: F5 (coagulation factor V; minus strand). Cytogenetic location: 1q24.2.
Variant type: Deletion.
Coding change: c.2521del on transcript NM_000130.5 (MANE Select); coding-DNA position 2521, one base deleted (C; older notation c.2521delC).
Protein change: p.Gln841fs; shifts the reading frame from glutamine 841.
Molecular consequence: frameshift variant.
Genome position (GRCh38, 1-based): chr1:169,542,569, G deleted on the plus strand (C on the coding strand, the reverse complement: F5 is on the minus strand). VCF-style (leftmost placement, unchanged base first): chr1-169542568-TG-T. GRCh37 (hg19) VCF-style: chr1-169511806-TG-T.
Other names: short protein forms Q841fs.
Identifiers: ClinVar variation 2860268 (VCV002860268.3), dbSNP rs781255484, ClinGen allele CA1234073.

ClinVar aggregate classification (germline): Pathogenic (1 of 4 stars; one submission).

Conditions:
Congenital factor V deficiency. Also called: OWREN PARAHEMOPHILIA; PARAHEMOPHILIA; Hereditary factor V deficiency disease; LABILE FACTOR DEFICIENCY. Identifiers: Orphanet 326, MedGen C0015499, MONDO:0009210, OMIM 227400.

Allele frequency attached by ClinVar (database versions not stated): ExAC 0.00001.

Submission:

Labcorp Genetics (formerly Invitae), Labcorp
Classification: Pathogenic for Congenital factor V deficiency. Last evaluated: 2023-04-28. Review status: criteria provided, single submitter. Criteria: Invitae Variant Classification Sherloc (09022015). Collection method: clinical testing. Allele origin: germline.
Comment: For these reasons, this variant has been classified as Pathogenic. This variant has not been reported in the literature in individuals affected with F5-related conditions. This variant is present in population databases (rs781255484, gnomAD 0.01%). This sequence change creates a premature translational stop signal (p.Gln841Serfs*30) in the F5 gene. It is expected to result in an absent or disrupted protein product. Loss-of-function variants in F5 are known to be pathogenic (PMID: 30924984).

Literature cited by the submitters: PubMed 30924984.